The following is an entry in ClinVar:

NM_020774.4(MIB1):c.2930G>A (p.Cys977Tyr)

Gene: MIB1 (MIB E3 ubiquitin protein ligase 1; plus strand). Cytogenetic location: 18q11.2.
Variant type: single nucleotide variant.
Coding change: c.2930G>A on transcript NM_020774.4 (MANE Select); coding-DNA position 2930, G replaced by A.
Protein change: p.Cys977Tyr; replaces cysteine 977 with tyrosine.
Molecular consequence: missense variant.
Genome position (GRCh38, 1-based): chr18:21,864,575, G>A. VCF-style: chr18-21864575-G-A. GRCh37 (hg19) VCF-style: chr18-19444536-G-A.
Other names: short protein forms C977Y.
Identifiers: ClinVar variation 4107596 (VCV004107596.1).

ClinVar aggregate classification (germline): Uncertain significance (1 of 4 stars; one submission).

Conditions:
Inborn genetic diseases. Identifiers: MedGen C0950123, MeSH D030342.

gnomAD v4.1: 2 of 1,613,656 alleles (0.00012%); highest among the groups gnomAD compares: Non-Finnish European, 0.00017%; no homozygotes.

Submission:

Ambry Genetics
Classification: Uncertain significance for Inborn genetic diseases. Last evaluated: 2025-07-24. Review status: criteria provided, single submitter. Criteria: Ambry Variant Classification Scheme 2023. Collection method: clinical testing. Allele origin: germline.
Comment: The p.C977Y variant (also known as c.2930G>A), located in coding exon 21 of the MIB1 gene, results from a G to A substitution at nucleotide position 2930. The cysteine at codon 977 is replaced by tyrosine, an amino acid with highly dissimilar properties. This amino acid position is conserved. In addition, this alteration is predicted to be deleterious by in silico analysis. Based on the available evidence, the clinical significance of this variant remains unclear.